The following is an entry in ClinVar:

ClinVar aggregate classification (germline): Pathogenic. Review status: criteria provided, multiple submitters, no conflicts (2 of 4 stars). 2 submissions from 2 submitters: Pathogenic (2). Last evaluated 2025-07-24.

Conditions:
GNPTG-mucolipidosis. Also called: ML III GAMMA; ML IIIC; MUCOLIPIDOSIS III, COMPLEMENTATION GROUP C; MUCOLIPIDOSIS III, IRANIAN VARIANT FORM; MUCOLIPIDOSIS III, VARIANT FORM; Mucolipidosis type III gamma. Identifiers: Orphanet 423470, Orphanet 577, MedGen C1854896, MONDO:0009652, OMIM 252605.

Allele frequency attached by ClinVar (database versions not stated): gnomAD exomes below 0.00001; ExAC 0.00001; gnomAD 0.00001.

Submissions (2):

Myriad Genetics, Inc.
Classification: Pathogenic for GNPTG-mucolipidosis. Last evaluated: 2025-07-24. Review status: criteria provided, single submitter. Criteria: Myriad Autosomal Dominant, Autosomal Recessive and X-Linked Classification Criteria (2023). Collection method: clinical testing. Allele origin: unknown.
Comment: NM_032520.4(GNPTG):c.564G>A(W188*) is a nonsense variant classified as pathogenic in the context of mucolipidosis III gamma. W188* has not been observed in cases with relevant disease. Relevant functional assessments of this variant are not available in the literature. W188* has been observed in referenced population frequency databases. In summary, NM_032520.4(GNPTG):c.564G>A(W188*) is a nonsense variant in a gene where loss of function is a known mechanism of disease and is predicted to disrupt protein function. Please note: this variant was assessed in the context of healthy population screening.

Labcorp Genetics (formerly Invitae), Labcorp
Classification: Pathogenic. Last evaluated: 2023-12-27. Review status: criteria provided, single submitter. Criteria: Invitae Variant Classification Sherloc (09022015). Collection method: clinical testing. Allele origin: germline.
Comment: This sequence change creates a premature translational stop signal (p.Trp188*) in the GNPTG gene. It is expected to result in an absent or disrupted protein product. Loss-of-function variants in GNPTG are known to be pathogenic (PMID: 19370764, 20301784). This variant is present in population databases (rs750990691, gnomAD 0.0009%). This variant has not been reported in the literature in individuals affected with GNPTG-related conditions. ClinVar contains an entry for this variant (Variation ID: 2123702). For these reasons, this variant has been classified as Pathogenic.

Literature cited by the submitters: PubMed 19370764 (cited by Labcorp Genetics (formerly Invitae), Labcorp); PubMed 20301784 (cited by Labcorp Genetics (formerly Invitae), Labcorp).

NM_032520.5(GNPTG):c.564G>A (p.Trp188Ter)

Gene: GNPTG (N-acetylglucosamine-1-phosphate transferase subunit gamma; plus strand). Cytogenetic location: 16p13.3.
Variant type: single nucleotide variant.
Coding change: c.564G>A on transcript NM_032520.5 (MANE Select); coding-DNA position 564, G replaced by A.
Protein change: p.Trp188Ter; replaces tryptophan 188 with a stop codon.
Molecular consequence: nonsense.
Genome position (GRCh38, 1-based): chr16:1,362,489, G>A. VCF-style: chr16-1362489-G-A. GRCh37 (hg19) VCF-style: chr16-1412490-G-A.
Other names: short protein forms W188*.
Identifiers: ClinVar variation 2123702 (VCV002123702.5), dbSNP rs750990691, ClinGen allele CA7807806.
Genomic context (GRCh38, chr16:1,362,489, plus strand): 5'-CCTGGCTTCTCTTGGGTCCTCAGTGTACCCAACCCTGCCAGAGGCCCTGCAGCGGCAGTG[G>A]GACCAGGTAGAGCAGGACCTGGCCGATGAGCTGATCACCCCCCAGGTAAGCGTGCGCTCG-3'